The following is an entry in ClinVar:

NM_176787.5(PIGN):c.1674+1G>A

Gene: PIGN (phosphatidylinositol glycan anchor biosynthesis class N; minus strand). Cytogenetic location: 18q21.33.
Variant type: single nucleotide variant.
Coding change: c.1674+1G>A on transcript NM_176787.5 (MANE Select); the canonical splice donor site of the intron after coding-DNA position 1674, G replaced by A.
Molecular consequence: splice donor variant.
Genome position (GRCh38, 1-based): chr18:62,106,985, C>T on the plus strand (G>A on the coding strand, the complement: PIGN is on the minus strand). VCF-style: chr18-62106985-C-T. GRCh37 (hg19) VCF-style: chr18-59774218-C-T.
Other names: c.1674+1G>A (NM_012327.6).
Identifiers: ClinVar variation 425152 (VCV000425152.44), dbSNP rs376355678, ClinGen allele CA16621718.

ClinVar aggregate classification (germline): Likely pathogenic. Review status: criteria provided, multiple submitters, no conflicts (2 of 4 stars). 2 submissions from 2 submitters: Likely pathogenic (2). Last evaluated 2025-05-11.

Conditions:
Multiple congenital anomalies-hypotonia-seizures syndrome 1 (MCAHS1). Also called: PIGN-CDG; Congenital disorder of glycosylation due to PIGN deficiency; GLYCOSYLPHOSPHATIDYLINOSITOL BIOSYNTHESIS DEFECT 3. Identifiers: Orphanet 280633, MedGen C3279775, MONDO:0013563, OMIM 614080.

Submissions (2):

Variantyx, Inc.
Classification: Likely pathogenic for Multiple congenital anomalies-hypotonia-seizures syndrome 1. Last evaluated: 2025-05-11. Review status: criteria provided, single submitter. Criteria: Variantyx Assertion Criteria 2022. Collection method: clinical testing. Allele origin: germline. Inheritance: Autosomal recessive inheritance. Affected: no.
Comment: This is a canonical splicing variant in the PIGN gene (OMIM: 606097). Pathogenic variants in this gene have been associated with autosomal recessive multiple congenital anomalies-hypotonia-seizures syndrome 1. This splicing variant is expected to result in loss of function, which is a known disease mechanism for PIGN in this disorder (PVS1) (PMID:24253414). This variant is absent from control populations (PM2). Based on the current evidence, this variant is classified as likely pathogenic for autosomal recessive multiple congenital anomalies-hypotonia-seizures syndrome 1.

CeGaT Center for Human Genetics Tuebingen
Classification: Likely pathogenic. Last evaluated: 2017-01-01. Review status: criteria provided, single submitter. Criteria: CeGaT Center For Human Genetics Tuebingen Variant Classification Criteria Version 2. Collection method: clinical testing. Allele origin: germline. Affected: yes. Observed: 1 variant allele.

Literature cited by the submitters: PubMed 24253414 (cited by Variantyx, Inc.).